The following is an entry in ClinVar:

ClinVar aggregate classification (germline): Conflicting classifications of pathogenicity. Review status: criteria provided, conflicting classifications (1 of 4 stars). 4 submissions from 4 submitters: Uncertain significance (1); Likely benign (1). 2 of the submissions do not count toward it. Last evaluated 2026-01-19.

Conditions:
Optic atrophy. Identifiers: MedGen C0029124, MONDO:0003608, HP:0000648.
Retinitis pigmentosa 66 (RP66). Identifiers: Orphanet 791, MedGen C3715216, MONDO:0014093, OMIM 615233.

Allele frequency attached by ClinVar (database versions not stated): gnomAD 0.00001 and 0.00004; TOPMed 0.00001; gnomAD exomes 0.00004; ExAC 0.00006; 1000 Genomes Project 0.00020; 1000 Genomes Project 30x 0.00031.
gnomAD v4.1: 61 of 1,612,908 alleles (0.0038%); highest among the groups gnomAD compares: Middle Eastern, 0.23%; no homozygotes.

Submissions (4):

Labcorp Genetics (formerly Invitae), Labcorp
Classification: Uncertain significance. Last evaluated: 2026-01-19. Review status: criteria provided, single submitter. Criteria: Invitae Variant Classification Sherloc (09022015). Collection method: clinical testing. Allele origin: germline.
Comment: This sequence change replaces arginine, which is basic and polar, with glutamine, which is neutral and polar, at codon 267 of the RBP3 protein (p.Arg267Gln). This variant is present in population databases (rs200239015, gnomAD 0.01%). This variant has not been reported in the literature in individuals affected with RBP3-related conditions. ClinVar contains an entry for this variant (Variation ID: 208297). Invitae Evidence Modeling of protein sequence and biophysical properties (such as structural, functional, and spatial information, amino acid conservation, physicochemical variation, residue mobility, and thermodynamic stability) indicates that this missense variant is not expected to disrupt RBP3 protein function with a negative predictive value of 80%. In summary, the available evidence is currently insufficient to determine the role of this variant in disease. Therefore, it has been classified as a Variant of Uncertain Significance.

Blueprint Genetics
Classification: Likely benign. Last evaluated: 2023-09-22. Review status: criteria provided, single submitter. Criteria: ACMG Guidelines, 2015. Collection method: clinical testing. Allele origin: germline.

Institute of Human Genetics, Univ. Regensburg, Univ. Regensburg
Classification: Uncertain significance for Optic atrophy. Last evaluated: 2023-01-01. Review status: no assertion criteria provided. Criteria: ACMG Guidelines, 2015. Collection method: clinical testing. Allele origin: germline. Affected: yes. Not counted in ClinVar's aggregate classification.

ClinVar Staff, National Center for Biotechnology Information (NCBI)
Classification: Uncertain significance for Retinitis pigmentosa 66. Last evaluated: 2013-06-27. Review status: no assertion criteria provided. Collection method: literature only. Allele origin: germline. Affected: yes. Not counted in ClinVar's aggregate classification.

Literature cited by the submitters: PubMed 19074801 (cited by ClinVar Staff, National Center for Biotechnology Information (NCBI)).

NM_002900.3(RBP3):c.800G>A (p.Arg267Gln)

Gene: RBP3 (retinol binding protein 3; plus strand). Cytogenetic location: 10q11.22.
Variant type: single nucleotide variant.
Coding change: c.800G>A on transcript NM_002900.3 (MANE Select); coding-DNA position 800, G replaced by A.
Protein change: p.Arg267Gln; replaces arginine 267 with glutamine.
Molecular consequence: missense variant.
Genome position (GRCh38, 1-based): chr10:47,349,284, G>A. VCF-style: chr10-47349284-G-A. GRCh37 (hg19) VCF-style: chr10-48390078-C-T.
Other names: short protein forms R267Q.
Identifiers: ClinVar variation 208297 (VCV000208297.10), dbSNP rs200239015, ClinGen allele CA350930.
Genomic context (GRCh38, chr10:47,349,284, plus strand): 5'-AGCAGATGCGCAGGGCCATCGTGGTGGGCGAGCGGACTGGGGGAGGGGCCCTGGACCTCC[G>A]GAAGCTGAGGATAGGCGAGTCTGACTTCTTCTTCACGGTGCCCGTGTCCAGGTCCCTGGG-3'
Protein context (NP_002891.1, residues 257-277): ERTGGGALDL[Arg267Gln]KLRIGESDFF